The following is an entry in ClinVar:

NM_152703.5(SAMD9L):c.737A>G (p.His246Arg)

Gene: SAMD9L (sterile alpha motif domain containing 9 like; minus strand). Cytogenetic location: 7q21.2.
Variant type: single nucleotide variant.
Coding change: c.737A>G on transcript NM_152703.5 (MANE Select); coding-DNA position 737, A replaced by G.
Protein change: p.His246Arg; replaces histidine 246 with arginine.
Molecular consequence: missense variant.
Genome position (GRCh38, 1-based): chr7:93,135,235, T>C on the plus strand (A>G on the coding strand, the complement: SAMD9L is on the minus strand). VCF-style: chr7-93135235-T-C. GRCh37 (hg19) VCF-style: chr7-92764548-T-C.
Other names: c.737A>G, p.His246Arg (NM_001303496.3, NM_001303497.3, NM_001303498.3 and 5 more transcripts); short protein forms H246R.
Identifiers: ClinVar variation 2247842 (VCV002247842.6), dbSNP rs2116502421, ClinGen allele CA368201207.

ClinVar aggregate classification (germline): Uncertain significance. Review status: criteria provided, multiple submitters, no conflicts (2 of 4 stars). 2 submissions from 2 submitters: Uncertain significance (2). Last evaluated 2025-06-01.

Conditions:
Inborn genetic diseases. Identifiers: MedGen C0950123, MeSH D030342.

Allele frequency attached by ClinVar (database versions not stated): gnomAD exomes below 0.00001.
gnomAD v4.1: 1 of 1,614,076 alleles (0.000062%); highest among the groups gnomAD compares: Middle Eastern, 0.017%; no homozygotes.

Submissions (2):

Ambry Genetics
Classification: Uncertain significance for Inborn genetic diseases. Last evaluated: 2025-06-01. Review status: criteria provided, single submitter. Criteria: Ambry Variant Classification Scheme 2023. Collection method: clinical testing. Allele origin: germline.
Comment: The p.H246R variant (also known as c.737A>G), located in coding exon 1 of the SAMD9L gene, results from an A to G substitution at nucleotide position 737. The histidine at codon 246 is replaced by arginine, an amino acid with highly similar properties. This amino acid position is conserved. In addition, this alteration is predicted to be tolerated by in silico analysis. Based on the available evidence, the clinical significance of this variant remains unclear.

Labcorp Genetics (formerly Invitae), Labcorp
Classification: Uncertain significance. Last evaluated: 2023-12-15. Review status: criteria provided, single submitter. Criteria: Invitae Variant Classification Sherloc (09022015). Collection method: clinical testing. Allele origin: germline.
Comment: This sequence change replaces histidine, which is basic and polar, with arginine, which is basic and polar, at codon 246 of the SAMD9L protein (p.His246Arg). This variant is not present in population databases (gnomAD no frequency). This variant has not been reported in the literature in individuals affected with SAMD9L-related conditions. ClinVar contains an entry for this variant (Variation ID: 2247842). An algorithm developed to predict the effect of missense changes on protein structure and function (PolyPhen-2) suggests that this variant is likely to be disruptive. In summary, the available evidence is currently insufficient to determine the role of this variant in disease. Therefore, it has been classified as a Variant of Uncertain Significance.